The following is an entry in ClinVar:

ClinVar aggregate classification (germline): Likely benign (1 of 4 stars; one submission).

Submission:

CeGaT Center for Human Genetics Tuebingen
Classification: Likely benign. Last evaluated: 2023-11-01. Review status: criteria provided, single submitter. Criteria: CeGaT Center For Human Genetics Tuebingen Variant Classification Criteria Version 2. Collection method: clinical testing. Allele origin: germline. Affected: yes. Observed: 1 variant allele.
Comment: CACNA1B: PM2:Supporting, BP4, BP7

NM_000718.4(CACNA1B):c.6C>G (p.Val2=)

Genes: CACNA1B (calcium voltage-gated channel subunit alpha1 B; plus strand), CACNA1B-AS2 (CACNA1B antisense RNA 2; minus strand). Cytogenetic location: 9q34.3.
Variant type: single nucleotide variant.
Coding change: c.6C>G on transcript NM_000718.4 (MANE Select); coding-DNA position 6, C replaced by G.
Protein change: p.Val2=; no amino-acid change (valine 2 retained).
Molecular consequence: synonymous variant.
Genome position (GRCh38, 1-based): chr9:137,877,939, C>G. VCF-style: chr9-137877939-C-G. GRCh37 (hg19) VCF-style: chr9-140772391-C-G.
Other names: c.6C>G, p.Val2= (NM_001243812.2).
Identifiers: ClinVar variation 2673210 (VCV002673210.23), dbSNP rs2539056115, ClinGen allele CA467887769.
Genomic context (GRCh38, chr9:137,877,939, plus strand): 5'-CGCGCCCTCCCTGCCGGGGCCGCTGGGCCGGGGATGCACGCGGGGCCCGGGAGCCATGGT[C>G]CGCTTCGGGGACGAGCTGGGCGGCCGCTATGGGGGCCCCGGCGGCGGAGAGCGGGCCCGG-3'
Protein context (NP_000709.1, residues 1-12): M[Val2=]RFGDELGGRY